The following is an entry in ClinVar:

ClinVar aggregate classification (germline): Uncertain significance (1 of 4 stars; one submission).

Conditions:
Leber congenital amaurosis 3 (LCA3). Also called: SPATA7-Related Retinitis Pigmentosa. Identifiers: MedGen C1858677, MONDO:0011415, OMIM 604232.

Allele frequency attached by ClinVar (database versions not stated): TOPMed below 0.00001; gnomAD 0.00001; ESP Exome Variant Server 0.00008.
gnomAD v4.1: 1 of 1,610,502 alleles (0.000062%); highest among the groups gnomAD compares: African/African-American, 0.0013%; no homozygotes.

Submission:

Labcorp Genetics (formerly Invitae), Labcorp
Classification: Uncertain significance for Leber congenital amaurosis 3. Last evaluated: 2022-07-12. Review status: criteria provided, single submitter. Criteria: Invitae Variant Classification Sherloc (09022015). Collection method: clinical testing. Allele origin: germline.
Comment: In summary, the available evidence is currently insufficient to determine the role of this variant in disease. Therefore, it has been classified as a Variant of Uncertain Significance. Algorithms developed to predict the effect of missense changes on protein structure and function are either unavailable or do not agree on the potential impact of this missense change (SIFT: "Deleterious"; PolyPhen-2: "Probably Damaging"; Align-GVGD: "Class C0"). ClinVar contains an entry for this variant (Variation ID: 1489834). This variant has not been reported in the literature in individuals affected with SPATA7-related conditions. This variant is not present in population databases (gnomAD no frequency). This sequence change replaces proline, which is neutral and non-polar, with leucine, which is neutral and non-polar, at codon 71 of the SPATA7 protein (p.Pro71Leu).

NM_018418.5(SPATA7):c.212C>T (p.Pro71Leu)

Gene: SPATA7 (spermatogenesis associated 7; plus strand). Cytogenetic location: 14q31.3.
Variant type: single nucleotide variant.
Coding change: c.212C>T on transcript NM_018418.5 (MANE Select); coding-DNA position 212, C replaced by T.
Protein change: p.Pro71Leu; replaces proline 71 with leucine.
Molecular consequence: missense variant.
Genome position (GRCh38, 1-based): chr14:88,396,177, C>T. VCF-style: chr14-88396177-C-T. GRCh37 (hg19) VCF-style: chr14-88862521-C-T.
Other names: c.116C>T, p.Pro39Leu (NM_001040428.4); short protein forms P71L, P39L.
Identifiers: ClinVar variation 1489834 (VCV001489834.8), dbSNP rs373094088, ClinGen allele CA264508707.